The following is an entry in ClinVar:

ClinVar aggregate classification (germline): Uncertain significance. Review status: criteria provided, multiple submitters, no conflicts (2 of 4 stars). 3 submissions from 3 submitters: Uncertain significance (3). Last evaluated 2026-01-20.

Conditions:
Juvenile polyposis syndrome (JPS). Identifiers: Orphanet 2929, MedGen C0345893, MONDO:0017380, OMIM 174900.
Hereditary cancer-predisposing syndrome. Also called: Hereditary Cancer Syndrome; Neoplastic Syndromes, Hereditary; Hereditary neoplastic syndrome; Tumor predisposition. Identifiers: Orphanet 140162, MedGen C0027672, MeSH D009386, MONDO:0015356.

Allele frequency attached by ClinVar (database versions not stated): gnomAD 0.00001; gnomAD exomes 0.00001; TOPMed 0.00001; ExAC 0.00002.
gnomAD v4.1: 2 of 1,613,862 alleles (0.00012%); highest among the groups gnomAD compares: African/African-American, 0.0027%; no homozygotes.

Submissions (3):

Labcorp Genetics (formerly Invitae), Labcorp
Classification: Uncertain significance for Juvenile polyposis syndrome. Last evaluated: 2026-01-20. Review status: criteria provided, single submitter. Criteria: Invitae Variant Classification Sherloc (09022015). Collection method: clinical testing. Allele origin: germline.
Comment: This sequence change replaces glutamic acid, which is acidic and polar, with lysine, which is basic and polar, at codon 256 of the BMPR1A protein (p.Glu256Lys). This variant is present in population databases (rs755372473, gnomAD 0.007%). This variant has not been reported in the literature in individuals affected with BMPR1A-related conditions. ClinVar contains an entry for this variant (Variation ID: 849063). Invitae Evidence Modeling of protein sequence and biophysical properties (such as structural, functional, and spatial information, amino acid conservation, physicochemical variation, residue mobility, and thermodynamic stability) indicates that this missense variant is not expected to disrupt BMPR1A protein function with a negative predictive value of 80%. In summary, the available evidence is currently insufficient to determine the role of this variant in disease. Therefore, it has been classified as a Variant of Uncertain Significance.

Ambry Genetics
Classification: Uncertain significance for Hereditary cancer-predisposing syndrome. Last evaluated: 2025-05-01. Review status: criteria provided, single submitter. Criteria: Ambry Variant Classification Scheme 2023. Collection method: clinical testing. Allele origin: germline.
Comment: The p.E256K variant (also known as c.766G>A), located in coding exon 7 of the BMPR1A gene, results from a G to A substitution at nucleotide position 766. The glutamic acid at codon 256 is replaced by lysine, an amino acid with similar properties. This amino acid position is highly conserved in available vertebrate species. In addition, this alteration is predicted to be deleterious by in silico analysis. Based on the available evidence, the clinical significance of this variant remains unclear.

Blueprint Genetics
Classification: Uncertain significance. Last evaluated: 2022-11-28. Review status: criteria provided, single submitter. Criteria: ACMG Guidelines, 2015. Collection method: clinical testing. Allele origin: germline.

NM_004329.3(BMPR1A):c.766G>A (p.Glu256Lys)

Gene: BMPR1A (bone morphogenetic protein receptor type 1A; plus strand). Cytogenetic location: 10q23.2.
Variant type: single nucleotide variant.
Coding change: c.766G>A on transcript NM_004329.3 (MANE Select); coding-DNA position 766, G replaced by A.
Protein change: p.Glu256Lys; replaces glutamic acid 256 with lysine.
Molecular consequence: missense variant.
Genome position (GRCh38, 1-based): chr10:86,917,224, G>A. VCF-style: chr10-86917224-G-A. GRCh37 (hg19) VCF-style: chr10-88676981-G-A.
Other names: short protein forms E256K.
Identifiers: ClinVar variation 849063 (VCV000849063.14), dbSNP rs755372473, ClinGen allele CA5585601.